The following is an entry in ClinVar:

ClinVar aggregate classification (germline): Uncertain significance. Review status: criteria provided, multiple submitters, no conflicts (2 of 4 stars). 2 submissions from 2 submitters: Uncertain significance (2). Last evaluated 2024-10-29.

Allele frequency attached by ClinVar (database versions not stated): ExAC 0.00004.
gnomAD v4.1: 15 of 1,562,414 alleles (0.00096%); highest among the groups gnomAD compares: Middle Eastern, 0.018%; no homozygotes.

Submissions (2):

GeneDx
Classification: Uncertain significance. Last evaluated: 2024-10-29. Review status: criteria provided, single submitter. Criteria: GeneDx Variant Classification Process June 2021. Collection method: clinical testing. Allele origin: germline. Affected: yes.
Comment: In silico analysis indicates that this missense variant does not alter protein structure/function; Has not been previously published as pathogenic or benign to our knowledge

Labcorp Genetics (formerly Invitae), Labcorp
Classification: Uncertain significance. Last evaluated: 2023-12-13. Review status: criteria provided, single submitter. Criteria: Invitae Variant Classification Sherloc (09022015). Collection method: clinical testing. Allele origin: germline.
Comment: This sequence change replaces alanine, which is neutral and non-polar, with valine, which is neutral and non-polar, at codon 1595 of the ITPR1 protein (p.Ala1595Val). The frequency data for this variant in the population databases is considered unreliable, as metrics indicate poor data quality at this position in the gnomAD database. This variant has not been reported in the literature in individuals affected with ITPR1-related conditions. ClinVar contains an entry for this variant (Variation ID: 1914081). Advanced modeling of protein sequence and biophysical properties (such as structural, functional, and spatial information, amino acid conservation, physicochemical variation, residue mobility, and thermodynamic stability) performed at Invitae indicates that this missense variant is not expected to disrupt ITPR1 protein function with a negative predictive value of 95%. In summary, the available evidence is currently insufficient to determine the role of this variant in disease. Therefore, it has been classified as a Variant of Uncertain Significance.

NM_001378452.1(ITPR1):c.4856C>T (p.Ala1619Val)

Genes: BRRIAR (BHLHE40 and RIG-I regulating ITPR1 antisense RNA; minus strand), ITPR1 (inositol 1,4,5-trisphosphate receptor type 1; plus strand). Cytogenetic location: 3p26.1.
Variant type: single nucleotide variant.
Coding change: c.4856C>T on transcript NM_001378452.1 (MANE Select); coding-DNA position 4856, C replaced by T.
Protein change: p.Ala1619Val; replaces alanine 1619 with valine.
Molecular consequence: missense variant.
Genome position (GRCh38, 1-based): chr3:4,710,338, C>T. VCF-style: chr3-4710338-C-T. GRCh37 (hg19) VCF-style: chr3-4752022-C-T.
Other names: c.4829C>T, p.Ala1610Val (NM_001099952.4); c.4811C>T, p.Ala1604Val (NM_001168272.2); c.4784C>T, p.Ala1595Val (NM_002222.7); c.4784C>T (NM_002222.5); short protein forms A1610V, A1595V, A1604V, A1619V.
Identifiers: ClinVar variation 1914081 (VCV001914081.6), dbSNP rs747539183, ClinGen allele CA2232134.